The following is an entry in ClinVar:

ClinVar aggregate classification (germline): Conflicting classifications of pathogenicity. Review status: criteria provided, conflicting classifications (1 of 4 stars). 10 submissions from 10 submitters: Uncertain significance (1); Benign (5); Likely benign (4). Last evaluated 2026-08-01.

Conditions:
Familial intrahepatic cholestasis. Identifiers: Orphanet 284385, MedGen CN296401, MONDO:0017290.
Progressive familial intrahepatic cholestasis type 1. Also called: Severe ATP8B1 Deficiency (Progressive Familial Intrahepatic Cholestasis Type 1 [PFIC1]); BYLER DISEASE; Byler's disease. Identifiers: Orphanet 79306, MedGen C4551898, MONDO:0008892, OMIM 211600.

Allele frequency attached by ClinVar (database versions not stated): 1000 Genomes Project 30x 0.00265; 1000 Genomes Project 0.00280; gnomAD 0.00379 and 0.00388; gnomAD exomes 0.00399 and 0.00528; ExAC 0.00404; TOPMed 0.00428; ESP Exome Variant Server 0.00538.
gnomAD v4.1: 8,274 of 1,614,120 alleles (0.51%); highest among the groups gnomAD compares: Non-Finnish European, 0.62%; 27 homozygotes.

Submissions (10):

CeGaT Center for Human Genetics Tuebingen
Classification: Likely benign. Last evaluated: 2026-08-01. Review status: criteria provided, single submitter. Criteria: CeGaT Center For Human Genetics Tuebingen Variant Classification Criteria Version 2. Collection method: clinical testing. Allele origin: germline. Affected: yes. Observed: 11 variant alleles.
Comment: ATP8B1: PP2, BS2

Genomenon, Inc
Classification: Benign for Familial intrahepatic cholestasis. Last evaluated: 2026-04-14. Review status: criteria provided, single submitter. Criteria: Genomenon Sequence Variant Interpretation Standards - Updated. Collection method: curation. Allele origin: germline. Affected: no.
Comment: ATP8B1 p.Ile393Val (c.1177A>G) is a missense variant that changes the amino acid at residue 393 from Isoleucine to Valine. This variant is present at high allele frequency in population databases. In conclusion, we classify ATP8B1 p.Ile393Val (c.1177A>G) as a benign variant.

Labcorp Genetics (formerly Invitae), Labcorp
Classification: Benign. Last evaluated: 2026-02-04. Review status: criteria provided, single submitter. Criteria: Invitae Variant Classification Sherloc (09022015). Collection method: clinical testing. Allele origin: germline.

Mayo Clinic Laboratories, Mayo Clinic
Classification: Uncertain significance. Last evaluated: 2022-11-28. Review status: criteria provided, single submitter. Criteria: ACMG Guidelines, 2015. Collection method: clinical testing. Allele origin: germline. Observed: 3 variant alleles.
Comment: BS1

Women's Health and Genetics/Laboratory Corporation of America, LabCorp
Classification: Benign. Last evaluated: 2022-05-10. Review status: criteria provided, single submitter. Criteria: LabCorp Variant Classification Summary - May 2015. Collection method: clinical testing. Allele origin: germline.
Comment: Variant summary: ATP8B1 c.1177A>G (p.Ile393Val) results in a conservative amino acid change in the encoded protein sequence. Three of five in-silico tools predict a benign effect of the variant on protein function. The variant allele was found at a frequency of 0.004 in 251424 control chromosomes (gnomAD), predominantly at a frequency of 0.0061 within the Non-Finnish European subpopulation in the gnomAD database, including 2 homozygotes. The observed variant frequency within Non-Finnish European control individuals in the gnomAD database is approximately 3 fold of the estimated maximal expected allele frequency for a pathogenic variant in ATP8B1 causing Familial Intrahepatic Cholestasis phenotype (0.0022), strongly suggesting that the variant is a benign polymorphism found primarily in populations of Non-Finnish European origin. To our knowledge, no experimental evidence demonstrating its impact on protein function have been reported. Five ClinVar submitters have assessed the variant since 2014: three classified the variant as likely benign and two as benign. Based on the evidence outlined above, the variant was classified as benign.

Illumina Laboratory Services, Illumina
Classification: Likely benign for Progressive familial intrahepatic cholestasis type 1. Last evaluated: 2018-01-13. Review status: criteria provided, single submitter. Criteria: ICSL Variant Classification Criteria 13 December 2019. Collection method: clinical testing. Allele origin: germline.
Comment: This variant was observed in the ICSL laboratory as part of a predisposition screen in an ostensibly healthy population. It had not been previously curated by ICSL or reported in the Human Gene Mutation Database (HGMD: prior to June 1st, 2018), and was therefore a candidate for classification through an automated scoring system. Utilizing variant allele frequency, disease prevalence and penetrance estimates, and inheritance mode, an automated score was calculated to assess if this variant is too frequent to cause the disease. Based on the score and internal cut-off values, a variant classified as likely benign is not then subjected to further curation. The score for this variant resulted in a classification of likely benign for this disease.

Eurofins Ntd Llc (ga)
Classification: Likely benign. Last evaluated: 2016-05-18. Review status: criteria provided, single submitter. Criteria: EGL Classification Definitions 2015. Collection method: clinical testing. Allele origin: germline. Observed: 2 variant alleles, 2 heterozygotes.

GeneDx
Classification: Benign. Last evaluated: 2016-02-23. Review status: criteria provided, single submitter. Criteria: GeneDx Variant Classification (06012015). Collection method: clinical testing. Allele origin: germline. Affected: yes.
Comment: This variant is considered likely benign or benign based on one or more of the following criteria: it is a conservative change, it occurs at a poorly conserved position in the protein, it is predicted to be benign by multiple in silico algorithms, and/or has population frequency not consistent with disease.

Breakthrough Genomics
Classification: Likely benign. Review status: criteria provided, single submitter. Criteria: ACMG Guidelines, 2015. Collection method: not provided. Allele origin: germline. Inheritance: Autosomal recessive inheritance. Affected: yes.

PreventionGenetics, part of Exact Sciences
Classification: Benign. Review status: criteria provided, single submitter. Criteria: ACMG Guidelines, 2015. Collection method: clinical testing. Allele origin: germline.

Literature cited by the submitters: PubMed 20683201 (cited by Mayo Clinic Laboratories, Mayo Clinic); PubMed 28733223 (cited by Mayo Clinic Laboratories, Mayo Clinic).

NM_001374385.1(ATP8B1):c.1177A>G (p.Ile393Val)

Gene: ATP8B1 (ATPase phospholipid transporting 8B1; minus strand). Cytogenetic location: 18q21.31.
Variant type: single nucleotide variant.
Coding change: c.1177A>G on transcript NM_001374385.1 (MANE Select); coding-DNA position 1177, A replaced by G.
Protein change: p.Ile393Val; replaces isoleucine 393 with valine.
Molecular consequence: missense variant.
Genome position (GRCh38, 1-based): chr18:57,691,850, T>C on the plus strand (A>G on the coding strand, the complement: ATP8B1 is on the minus strand). VCF-style: chr18-57691850-T-C. GRCh37 (hg19) VCF-style: chr18-55359082-T-C.
Other names: c.1177A>G, p.Ile393Val (NM_005603.6); c.1027A>G, p.Ile343Val (NM_001374386.1); short protein forms I393V, I343V.
Identifiers: ClinVar variation 259815 (VCV000259815.57), dbSNP rs34315917, ClinGen allele CA8974642.